The following is an entry in ClinVar:

ClinVar aggregate classification (germline): Likely benign. Review status: criteria provided, multiple submitters, no conflicts (2 of 4 stars). 4 submissions from 4 submitters: Likely benign (4). Last evaluated 2025-04-13.

Conditions:
Inborn genetic diseases. Identifiers: MedGen C0950123, MeSH D030342.
Fanconi anemia (FA). Also called: Fanconi's anemia. Identifiers: Orphanet 84, MedGen C0015625, MeSH D005199, MONDO:0019391.

Allele frequency attached by ClinVar (database versions not stated): gnomAD exomes 0.00002 and 0.00003; TOPMed 0.00002; ExAC 0.00006.
gnomAD v4.1: 29 of 1,613,966 alleles (0.0018%); highest among the groups gnomAD compares: South Asian, 0.0077%; no homozygotes.

Submissions (4):

Labcorp Genetics (formerly Invitae), Labcorp
Classification: Likely benign for Fanconi anemia. Last evaluated: 2025-04-13. Review status: criteria provided, single submitter. Criteria: Invitae Variant Classification Sherloc (09022015). Collection method: clinical testing. Allele origin: germline.

Ambry Genetics
Classification: Likely benign for Inborn genetic diseases. Last evaluated: 2024-12-06. Review status: criteria provided, single submitter. Criteria: Ambry Variant Classification Scheme 2023. Collection method: clinical testing. Allele origin: germline.

Blueprint Genetics
Classification: Likely benign. Last evaluated: 2024-07-08. Review status: criteria provided, single submitter. Criteria: ACMG Guidelines, 2015. Collection method: clinical testing. Allele origin: germline.

CeGaT Center for Human Genetics Tuebingen
Classification: Likely benign. Last evaluated: 2023-03-01. Review status: criteria provided, single submitter. Criteria: CeGaT Center For Human Genetics Tuebingen Variant Classification Criteria Version 2. Collection method: clinical testing. Allele origin: germline. Affected: yes. Observed: 1 variant allele.
Comment: FANCA: BP4, BP7

NM_000135.4(FANCA):c.1593C>T (p.Tyr531=)

Gene: FANCA (FA complementation group A; minus strand). Cytogenetic location: 16q24.3.
Variant type: single nucleotide variant.
Coding change: c.1593C>T on transcript NM_000135.4 (MANE Select); coding-DNA position 1593, C replaced by T.
Protein change: p.Tyr531=; no amino-acid change (tyrosine 531 retained).
Molecular consequence: synonymous variant.
Genome position (GRCh38, 1-based): chr16:89,782,892, G>A on the plus strand (C>T on the coding strand, the complement: FANCA is on the minus strand). VCF-style: chr16-89782892-G-A. GRCh37 (hg19) VCF-style: chr16-89849300-G-A.
Other names: c.1593C>T, p.Tyr531= (NM_001286167.3); c.1593C>T (NM_000135.2).
Identifiers: ClinVar variation 1084401 (VCV001084401.34), dbSNP rs762342197, ClinGen allele CA8252231.